The following is an entry in ClinVar:

NM_001393769.1(MED12L):c.4452G>A (p.Lys1484=)

Genes: MED12L (mediator complex subunit 12L; plus strand), P2RY12 (purinergic receptor P2Y12; minus strand). Cytogenetic location: 3q25.1.
Variant type: single nucleotide variant.
Coding change: c.4452G>A on transcript NM_001393769.1 (MANE Select); coding-DNA position 4452, G replaced by A.
Protein change: p.Lys1484=; no amino-acid change (lysine 1484 retained).
Molecular consequence: synonymous variant. On other transcripts: intron variant (1).
Genome position (GRCh38, 1-based): chr3:151,378,147, G>A. VCF-style: chr3-151378147-G-A. GRCh37 (hg19) VCF-style: chr3-151095935-G-A.
Other names: c.4347G>A, p.Lys1449= (NM_053002.6); c.-180+6545C>T (NM_022788.5).
Identifiers: ClinVar variation 3054382 (VCV003054382.2), dbSNP rs149086875, ClinGen allele CA2668526.

ClinVar aggregate classification (germline): Likely benign (0 of 4 stars; one submission).

Conditions:
MED12L-related disorder. Also called: MED12L-related condition.

Allele frequency attached by ClinVar (database versions not stated): ESP Exome Variant Server 0.00023; gnomAD 0.00025; TOPMed 0.00025; ExAC 0.00030; gnomAD exomes 0.00038.
gnomAD v4.1: 598 of 1,609,808 alleles (0.037%); highest among the groups gnomAD compares: Non-Finnish European, 0.04%; 1 homozygote.

Submission:

PreventionGenetics, part of Exact Sciences
Classification: Likely benign for MED12L-related condition. Last evaluated: 2023-03-10. Review status: no assertion criteria provided. Collection method: clinical testing. Allele origin: germline.
Comment: This variant is classified as likely benign based on ACMG/AMP sequence variant interpretation guidelines (Richards et al. 2015 PMID: 25741868, with internal and published modifications).